The following is an entry in ClinVar:

ClinVar aggregate classification (germline): Uncertain significance. Review status: criteria provided, multiple submitters, no conflicts (2 of 4 stars). 3 submissions from 3 submitters: Uncertain significance (3). Last evaluated 2020-04-20.

Conditions:
Dilated cardiomyopathy 1CC (CMD1CC). Identifiers: Orphanet 154, MedGen C2751084, MONDO:0013147, OMIM 613122.
Hypertrophic cardiomyopathy 20. Identifiers: MedGen C3151267, MONDO:0013477, OMIM 613876.
Cardiomyopathy (CMYO). Also called: Cardiomyopathies. Identifiers: Orphanet 167848, MedGen C0878544, MONDO:0004994, HP:0001638. Inheritance: Various modes of inheritance.
Cardiovascular phenotype. Identifiers: MedGen CN230736.

Allele frequency attached by ClinVar (database versions not stated): gnomAD exomes 0.00001 and 0.00003; ExAC 0.00003; gnomAD 0.00003 and 0.00004; TOPMed 0.00005.
gnomAD v4.1: 21 of 1,613,824 alleles (0.0013%); highest among the groups gnomAD compares: African/African-American, 0.011%; no homozygotes.

Submissions (3):

Ambry Genetics
Classification: Uncertain significance for Cardiovascular phenotype. Last evaluated: 2020-04-20. Review status: criteria provided, single submitter. Criteria: Ambry Variant Classification Scheme 2023. Collection method: clinical testing. Allele origin: germline.
Comment: The p.R273H variant (also known as c.818G>A), located in coding exon 7 of the NEXN gene, results from a G to A substitution at nucleotide position 818. The arginine at codon 273 is replaced by histidine, an amino acid with highly similar properties. This amino acid position is highly conserved in available vertebrate species. In addition, the in silico prediction for this alteration is inconclusive. Since supporting evidence is limited at this time, the clinical significance of this alteration remains unclear.

CHEO Genetics Diagnostic Laboratory, Children's Hospital of Eastern Ontario
Classification: Uncertain significance for Cardiomyopathy. Last evaluated: 2019-11-04. Review status: criteria provided, single submitter. Criteria: ACMG Guidelines, 2015. Collection method: clinical testing. Allele origin: germline.

Labcorp Genetics (formerly Invitae), Labcorp
Classification: Uncertain significance for Dilated cardiomyopathy 1CC; Hypertrophic cardiomyopathy 20. Last evaluated: 2017-10-11. Review status: criteria provided, single submitter. Criteria: Invitae Variant Classification Sherloc (09022015). Collection method: clinical testing. Allele origin: germline.
Comment: In summary, the available evidence is currently insufficient to determine the role of this variant in disease. Therefore, it has been classified as a Variant of Uncertain Significance. Algorithms developed to predict the effect of missense changes on protein structure and function (SIFT, PolyPhen-2, Align-GVGD) all suggest that this variant is likely to be disruptive, but these predictions have not been confirmed by published functional studies and their clinical significance is uncertain. This variant has been observed in an individual affected with hypertrophic cardiomyopathy (PMID: 28790153). However, in that individual a pathogenic allele was also identified in MYH7, which suggests that this c.818G>A variant was not the primary cause of disease. This variant is present in population databases (rs765385072, ExAC 0.01%). This sequence change replaces arginine with histidine at codon 273 of the NEXN protein (p.Arg273His). The arginine residue is highly conserved and there is a small physicochemical difference between arginine and histidine.

Literature cited by the submitters: PubMed 28790153 (cited by Labcorp Genetics (formerly Invitae), Labcorp).

NM_144573.4(NEXN):c.818G>A (p.Arg273His)

Gene: NEXN (nexilin F-actin binding protein; plus strand). Cytogenetic location: 1p31.1.
Variant type: single nucleotide variant.
Coding change: c.818G>A on transcript NM_144573.4 (MANE Select); coding-DNA position 818, G replaced by A.
Protein change: p.Arg273His; replaces arginine 273 with histidine.
Molecular consequence: missense variant.
Genome position (GRCh38, 1-based): chr1:77,926,846, G>A. VCF-style: chr1-77926846-G-A. GRCh37 (hg19) VCF-style: chr1-78392531-G-A.
Other names: c.626G>A, p.Arg209His (NM_001172309.2); short protein forms R273H, R209H.
Identifiers: ClinVar variation 538110 (VCV000538110.9), dbSNP rs765385072, ClinGen allele CA918738.